The following is an entry in ClinVar:

ClinVar aggregate classification (germline): Likely pathogenic (1 of 4 stars; one submission).

Conditions:
Medium-chain acyl-coenzyme A dehydrogenase deficiency (ACADMD). Also called: CARNITINE DEFICIENCY SECONDARY TO MEDIUM-CHAIN ACYL-CoA DEHYDROGENASE DEFICIENCY; MCADH DEFICIENCY; MCADD; Medium chain acyl-CoA dehydrogenase deficiency; MCAD Deficiency; ACADM DEFICIENCY. Identifiers: Orphanet 42, MedGen C0220710, MONDO:0008721, OMIM 201450.

Submission:

Labcorp Genetics (formerly Invitae), Labcorp
Classification: Likely pathogenic for Medium-chain acyl-coenzyme A dehydrogenase deficiency. Last evaluated: 2019-04-25. Review status: criteria provided, single submitter. Criteria: Invitae Variant Classification Sherloc (09022015). Collection method: clinical testing. Allele origin: germline.
Comment: This variant results in a copy number gain of the genomic region encompassing exon 8 of the ACADM gene. While the exact position of this variant cannot be determined from this data, sub-genic copy number gains are generally in tandem (PMID: 25640679). This variant would be expected to be in-frame, preserving the integrity of the reading frame. Loss-of-function variants in ACADM are known to be pathogenic (PMID: 16121256, 20434380). In summary, the currently available evidence indicates that the variant is pathogenic, but additional data are needed to prove that conclusively. Therefore, this variant has been classified as Likely Pathogenic.

NC_000001.10:g.(?_76211471)_(76211619_?)dup

Gene: ACADM (acyl-CoA dehydrogenase medium chain; plus strand). Cytogenetic location: 1p31.1.
Variant type: Duplication.
Identifiers: ClinVar variation 528456 (VCV000528456.2).